The following is an entry in ClinVar:

NM_145649.5(GCNT2):c.1049G>A (p.Gly350Glu)

Gene: GCNT2 (glucosaminyl (N-acetyl) transferase 2 (I blood group); plus strand). Cytogenetic location: 6p24.2.
Variant type: single nucleotide variant.
Coding change: c.1049G>A on transcript NM_145649.5 (MANE Select); coding-DNA position 1049, G replaced by A.
Protein change: p.Gly350Glu; replaces glycine 350 with glutamic acid.
Molecular consequence: missense variant.
Genome position (GRCh38, 1-based): chr6:10,626,447, G>A. VCF-style: chr6-10626447-G-A. GRCh37 (hg19) VCF-style: chr6-10626680-G-A.
Other names: c.1049G>A, p.Gly350Glu (NM_001374747.1, NM_145655.4); c.1043G>A, p.Gly348Glu (NM_001491.3); short protein forms G348E, G350E.
Identifiers: ClinVar variation 9128 (VCV000009128.3), dbSNP rs56141211, ClinGen allele CA120118.

ClinVar aggregate classification (germline): Pathogenic. Review status: criteria provided, single submitter (1 of 4 stars). 2 submissions from 2 submitters: Pathogenic (1). 1 of the submissions does not count toward it. Last evaluated 2025-09-23.

Conditions:
Cataract 13 with adult I phenotype. Identifiers: Orphanet 91492, MedGen C3805373, MONDO:0007289, OMIM 116700.

Allele frequency attached by ClinVar (database versions not stated): ExAC 0.00007; TOPMed 0.00002; gnomAD exomes 0.00002 and 0.00005.
gnomAD v4.1: 30 of 1,613,622 alleles (0.0019%); highest among the groups gnomAD compares: East Asian, 0.065%; no homozygotes.

Submissions (2):

Labcorp Genetics (formerly Invitae), Labcorp
Classification: Pathogenic for Cataract 13 with adult I phenotype. Last evaluated: 2025-09-23. Review status: criteria provided, single submitter. Criteria: Invitae Variant Classification Sherloc (09022015). Collection method: clinical testing. Allele origin: germline.
Comment: This sequence change replaces glycine, which is neutral and non-polar, with glutamic acid, which is acidic and polar, at codon 348 of the GCNT2 protein (p.Gly348Glu). This variant is present in population databases (rs56141211, gnomAD 0.08%). This missense change has been observed in individuals with cataract and the adult i phenotype (PMID: 11739194, 29914532). It has also been observed to segregate with disease in related individuals. ClinVar contains an entry for this variant (Variation ID: 9128). Invitae Evidence Modeling of protein sequence and biophysical properties (such as structural, functional, and spatial information, amino acid conservation, physicochemical variation, residue mobility, and thermodynamic stability) indicates that this missense variant is expected to disrupt GCNT2 protein function with a positive predictive value of 80%. Experimental studies have shown that this missense change affects GCNT2 function (PMID: 11739194). For these reasons, this variant has been classified as Pathogenic.

OMIM
Classification: Pathogenic for CATARACT 13 WITH ADULT i PHENOTYPE. Last evaluated: 2001-12-15. Review status: no assertion criteria provided. Collection method: literature only. Allele origin: germline. Not counted in ClinVar's aggregate classification.

Literature cited by the submitters: PubMed 11739194 (cited by Labcorp Genetics (formerly Invitae), Labcorp and OMIM); PubMed 29914532 (cited by Labcorp Genetics (formerly Invitae), Labcorp).